The following is an entry in ClinVar:

ClinVar aggregate classification (germline): Conflicting classifications of pathogenicity. Review status: criteria provided, conflicting classifications (1 of 4 stars). 2 submissions from 2 submitters: Uncertain significance (1); Likely benign (1). Last evaluated 2025-09-22.

Conditions:
Cardiovascular phenotype. Identifiers: MedGen CN230736.
Cardiomyopathy (CMYO). Also called: Cardiomyopathies. Identifiers: Orphanet 167848, MedGen C0878544, MONDO:0004994, HP:0001638. Inheritance: Various modes of inheritance.

gnomAD v4.1: 3 of 1,614,056 alleles (0.00019%); no homozygotes.

Submissions (2):

Color Diagnostics, LLC DBA Color Health
Classification: Uncertain significance for Cardiomyopathy. Last evaluated: 2025-09-22. Review status: criteria provided, single submitter. Criteria: ACMG Guidelines, 2015. Collection method: clinical testing. Allele origin: germline.
Comment: This missense variant replaces serine with proline at codon 999 of the DSG2 protein. Computational prediction suggests that this variant may not impact protein structure and function. To our knowledge, functional studies have not been reported for this variant. This variant has not been reported in individuals affected with DSG2-related disorders in the literature. This variant has been identified in 3/249234 chromosomes in the general population by the Genome Aggregation Database (gnomAD). The available evidence is insufficient to determine the role of this variant in disease conclusively. Therefore, this variant is classified as a Variant of Uncertain Significance.

Ambry Genetics
Classification: Likely benign for Cardiovascular phenotype. Last evaluated: 2025-09-10. Review status: criteria provided, single submitter. Criteria: Ambry Variant Classification Scheme 2023. Collection method: clinical testing. Allele origin: germline.

NM_001943.5(DSG2):c.2995T>C (p.Ser999Pro)

Genes: DSG2 (desmoglein 2; plus strand), DSG2-AS1 (DSG2 antisense RNA 1; minus strand). Cytogenetic location: 18q12.1.
Variant type: single nucleotide variant.
Coding change: c.2995T>C on transcript NM_001943.5 (MANE Select); coding-DNA position 2995, T replaced by C.
Protein change: p.Ser999Pro; replaces serine 999 with proline.
Molecular consequence: missense variant.
Genome position (GRCh38, 1-based): chr18:31,546,381, T>C. VCF-style: chr18-31546381-T-C. GRCh37 (hg19) VCF-style: chr18-29126344-T-C.
Other names: short protein forms S999P.
Identifiers: ClinVar variation 4015020 (VCV004015020.3).